The following is an entry in ClinVar:

NM_007294.4(BRCA1):c.2488_2504dup (p.His835fs)

Gene: BRCA1 (BRCA1 DNA repair associated; minus strand). Cytogenetic location: 17q21.31.
Variant type: Duplication.
Coding change: c.2488_2504dup on transcript NM_007294.4 (MANE Select); coding-DNA positions 2488 to 2504, 17 bases duplicated (AAGTATCCATTGGGACA).
Protein change: p.His835fs; shifts the reading frame from histidine 835.
Molecular consequence: frameshift variant. On other transcripts: intron variant (137).
Genome position (GRCh38, 1-based): chr17:43,093,027-43,093,043, TGTCCCAATGGATACTT duplicated on the plus strand (AAGTATCCATTGGGACA on the coding strand, the reverse complement: BRCA1 is on the minus strand). VCF-style (leftmost placement, unchanged base first): chr17-43093026-A-ATGTCCCAATGGATACTT. GRCh37 (hg19) VCF-style: chr17-41245043-A-ATGTCCCAATGGATACTT.
Other names: c.2488_2504dupAAGTATCCATTGGGACA (NM_007294.3); c.2488_2504dup, p.His835fs (NM_001407585.1, NM_001407593.1, NM_001407594.1 and 30 more transcripts); c.2485_2501dup, p.His834fs (NM_001407587.1, NM_001407590.1, NM_001407591.1 and 22 more transcripts); c.2479_2495dup, p.His832fs (NM_001407646.1, NM_001407647.1); c.2365_2381dup, p.His794fs (NM_001407648.1, NM_001407664.1, NM_001407665.1 and 19 more transcripts); c.2362_2378dup, p.His793fs (NM_001407649.1, NM_001407670.1, NM_001407671.1 and 11 more transcripts); c.2410_2426dup, p.His809fs (NM_001407653.1, NM_001407654.1, NM_001407655.1 and 4 more transcripts); c.2407_2423dup, p.His808fs (NM_001407659.1, NM_001407660.1, NM_001407661.1 and 1 more transcripts); and 42 more; short protein forms H835fs, H788fs, H707fs, H724fs, H747fs, H794fs, H809fs, H832fs.
Identifiers: ClinVar variation 280050 (VCV000280050.19), dbSNP rs483353078, ClinGen allele CA10603376.
Genomic context (GRCh38, chr17:43,093,026, plus strand): 5'-CTGAGCATCAAGTTCACTTTCTTCCATTTCTATGCTTGTTTCCCGACTGTGGTTAACTTC[A>ATGTCCCAATGGATACTT]TGTCCCAATGGATACTTAAAGCCTTCTGTGTCATTTCTATTATCTTTGGAACAACCATGA-3'

ClinVar aggregate classification (germline): Pathogenic. Review status: reviewed by expert panel (3 of 4 stars). 6 submissions from 6 submitters: Pathogenic (1). 5 of the submissions do not count toward it. Last evaluated 2017-12-15.

Conditions:
BRCA1-related disorder. Also called: BRCA1-related condition.
Hereditary cancer-predisposing syndrome. Also called: Hereditary Cancer Syndrome; Neoplastic Syndromes, Hereditary; Hereditary neoplastic syndrome; Tumor predisposition. Identifiers: Orphanet 140162, MedGen C0027672, MeSH D009386, MONDO:0015356.
Hereditary breast ovarian cancer syndrome. Also called: Hereditary breast and ovarian cancer syndrome (HBOC); Breast and ovarian cancer; Hereditary breast and ovarian cancer syndrome; Hereditary breast and ovarian cancer; BRCA1- and BRCA2-Associated Hereditary Breast and Ovarian Cancer; Hereditary breast and/or ovarian cancer syndrome. Identifiers: Orphanet 145, MedGen C0677776, MeSH D061325, MONDO:0003582. Disease mechanism: loss of function.
Breast-ovarian cancer, familial, susceptibility to, 1 (BROVCA1). Also called: BRCA1 Hereditary Breast and Ovarian Cancer; OVARIAN CANCER, SUSCEPTIBILITY TO. Identifiers: Orphanet 145, MedGen C2676676, MONDO:0011450, OMIM 604370. Disease mechanism: loss of function.

Submissions (6):

Evidence-based Network for the Interpretation of Germline Mutant Alleles (ENIGMA)
Classification: Pathogenic for Breast-ovarian cancer, familial, susceptibility to, 1. Last evaluated: 2017-12-15. Review status: reviewed by expert panel. Criteria: ENIGMA BRCA1/2 Classification Criteria (2017-06-29). Collection method: curation. Allele origin: germline. Study: ENIGMA.
Comment: Variant allele predicted to encode a truncated non-functional protein.

Labcorp Genetics (formerly Invitae), Labcorp
Classification: Pathogenic for Hereditary breast ovarian cancer syndrome. Last evaluated: 2025-12-03. Review status: criteria provided, single submitter. Criteria: Invitae Variant Classification Sherloc (09022015). Collection method: clinical testing. Allele origin: germline. Not counted in ClinVar's aggregate classification.
Comment: This sequence change creates a premature translational stop signal (p.His835Glnfs*17) in the BRCA1 gene. It is expected to result in an absent or disrupted protein product. Loss-of-function variants in BRCA1 are known to be pathogenic (PMID: 20104584). This variant is not present in population databases (gnomAD no frequency). This premature translational stop signal has been observed in individual(s) with ovarian cancer (PMID: 23633455). This variant is also known as c.2504_2505het_insAAGTATCCATTGGGACA. ClinVar contains an entry for this variant (Variation ID: 280050). For these reasons, this variant has been classified as Pathogenic.

PreventionGenetics, part of Exact Sciences
Classification: Pathogenic for BRCA1-related condition. Last evaluated: 2023-02-14. Review status: criteria provided, single submitter. Criteria: ACMG Guidelines, 2015. Collection method: clinical testing. Allele origin: germline. Not counted in ClinVar's aggregate classification.
Comment: The BRCA1 c.2488_2504dup17 variant is predicted to result in a frameshift and premature protein termination (p.His835Glnfs*17). This variant was reported in an individual with ovarian cancer (referred to as c.2504_2505het_insAAGTATCCATTGGGACA in George et al. 2013. PubMed ID: 23633455). This variant has not been reported in a large population database, indicating this variant is rare. In ClinVar, this variant has been interpreted as pathogenic. Frameshift variants in BRCA1 are expected to be pathogenic. This variant is interpreted as pathogenic.

Ambry Genetics
Classification: Pathogenic for Hereditary cancer-predisposing syndrome. Last evaluated: 2022-11-30. Review status: criteria provided, single submitter. Criteria: Ambry Variant Classification Scheme 2023. Collection method: clinical testing. Allele origin: germline. Not counted in ClinVar's aggregate classification.
Comment: The c.2488_2504dup17 variant, located in coding exon 9 of the BRCA1 gene, results from a duplication of AAGTATCCATTGGGACA at nucleotide position 2488, causing a translational frameshift with a predicted alternate stop codon (p.H835Qfs*17). This alteration has been identified in an individual diagnosed with serous ovarian cancer (George J et al. Clin. Cancer Res., 2013 Jul;19:3474-84). Of note, this alteration is also known as c.2504_2505het_insAAGTATCCATTGGGACA in published literature. In addition to the clinical data presented in the literature, this alteration is expected to result in loss of function by premature protein truncation or nonsense-mediated mRNA decay. As such, this alteration is interpreted as a disease-causing mutation.

Quest Diagnostics Nichols Institute San Juan Capistrano
Classification: Pathogenic. Last evaluated: 2017-05-19. Review status: criteria provided, single submitter. Criteria: Quest Diagnostics criteria. Collection method: clinical testing. Allele origin: germline. Not counted in ClinVar's aggregate classification.

GeneDx
Classification: Pathogenic. Last evaluated: 2016-02-24. Review status: criteria provided, single submitter. Criteria: GeneDx Variant Classification (06012015). Collection method: clinical testing. Allele origin: germline. Affected: yes. Not counted in ClinVar's aggregate classification.
Comment: This duplication of 17 nucleotides in BRCA1 is denoted c.2488_2504dup17 at the cDNA level and p.His835GlnfsX17(H835QfsX17) at the protein level. Using alternate nomenclature, this variant would be defined as BRCA1 2607_2623dup17. The surrounding sequence is CTTT[dup17]TGAA. The duplication causes a frameshift, which changes a Histidine to a Glutamine at codon 835, and creates a premature stop codon at position 17 of the new reading frame. This variant is predicted to cause loss of normal protein function through either protein truncation or nonsense-mediated mRNA decay. BRCA1 c.2488_2504dup17 was observed in an individual with serous ovarian cancer and was defined as BRCA1 c.2504_2505het_insAAGTATCCATTGGGACA using alternate nomenclature (George 2013). Based on currently available evidence, we consider this variant to be pathogenic.

Literature cited by the submitters: PubMed 20104584 (cited by Labcorp Genetics (formerly Invitae), Labcorp); PubMed 23633455 (cited by 3 submitters).